The following is an entry in ClinVar:

ClinVar aggregate classification (germline): Uncertain significance. Review status: criteria provided, multiple submitters, no conflicts (2 of 4 stars). 3 submissions from 3 submitters: Uncertain significance (3). Last evaluated 2025-10-23.

Allele frequency attached by ClinVar (database versions not stated): ExAC 0.00001; gnomAD 0.00001 and 0.00002; TOPMed 0.00002; gnomAD exomes 0.00006.
gnomAD v4.1: 19 of 1,613,184 alleles (0.0012%); highest among the groups gnomAD compares: Admixed American, 0.028%; no homozygotes.

Submissions (3):

GeneDx
Classification: Uncertain significance. Last evaluated: 2025-10-23. Review status: criteria provided, single submitter. Criteria: GeneDx Variant Classification Process June 2021. Collection method: clinical testing. Allele origin: germline.
Comment: Has not been previously published as pathogenic or benign to our knowledge; In silico analysis is inconclusive as to whether the variant alters gene splicing. In the absence of RNA/functional studies, the actual effect of this sequence change is unknown.

Labcorp Genetics (formerly Invitae), Labcorp
Classification: Uncertain significance. Last evaluated: 2022-08-23. Review status: criteria provided, single submitter. Criteria: Invitae Variant Classification Sherloc (09022015). Collection method: clinical testing. Allele origin: germline.
Comment: This sequence change falls in intron 28 of the OTOF gene. It does not directly change the encoded amino acid sequence of the OTOF protein. This variant is present in population databases (rs397517944, gnomAD 0.03%). This variant has not been reported in the literature in individuals affected with OTOF-related conditions. ClinVar contains an entry for this variant (Variation ID: 48218). Algorithms developed to predict the effect of sequence changes on RNA splicing suggest that this variant may disrupt the consensus splice site. In summary, the available evidence is currently insufficient to determine the role of this variant in disease. Therefore, it has been classified as a Variant of Uncertain Significance.

Laboratory for Molecular Medicine, Mass General Brigham Personalized Medicine
Classification: Uncertain significance. Last evaluated: 2012-01-03. Review status: criteria provided, single submitter. Criteria: LMM Criteria. Collection method: clinical testing. Allele origin: germline. Observed: 1 variant allele.
Comment: The 3571-6C>A variant in OTOF has not been reported in the literature nor previo usly identified by our laboratory. The 3571-6C>A variant is located in the 3' sp lice region but does not affect the invariant -1 and -2 positions. Positions -3 and -5 to -12 are part of the splicing consensus sequence and computational anal yses (MaxEntScan and NNSPLICE) suggest that this alteration may affect splicing. However, there is not enough evidence to determine the clinical significance of this variant at this time.

NM_194248.3(OTOF):c.3571-6C>A

Gene: OTOF (otoferlin; minus strand). Cytogenetic location: 2p23.3.
Variant type: single nucleotide variant.
Coding change: c.3571-6C>A on transcript NM_194248.3 (MANE Select); 6 bases into the intron before coding-DNA position 3571, C replaced by A.
Molecular consequence: intron variant.
Genome position (GRCh38, 1-based): chr2:26,473,300, G>T on the plus strand (C>A on the coding strand, the complement: OTOF is on the minus strand). VCF-style: chr2-26473300-G-T. GRCh37 (hg19) VCF-style: chr2-26696168-G-T.
Other names: c.3571-6C>A (NM_001287489.2); c.1330-6C>A (NM_194323.3, NM_004802.4); c.1501-6C>A (NM_194322.3).
Identifiers: ClinVar variation 48218 (VCV000048218.12), dbSNP rs397517944, ClinGen allele CA142856.